The following is an entry in ClinVar:

ClinVar aggregate classification (germline): Pathogenic/Likely pathogenic. Review status: criteria provided, multiple submitters, no conflicts (2 of 4 stars). 6 submissions from 6 submitters: Pathogenic (2); Likely pathogenic (2). 2 of the submissions do not count toward it. Last evaluated 2024-05-21.

Conditions:
POU1F1-related disorder. Also called: POU1F1-related condition.
Combined pituitary hormone deficiencies, genetic form. Also called: Pituitary hormone deficiency, combined. Identifiers: Orphanet 95494, MedGen C4273747, MONDO:0013099.
Pituitary hormone deficiency, combined, 1 (CPHD1). Also called: Pituitary hormone deficiency, combined or isolated, 1. Identifiers: MedGen C2751608, MONDO:0024464, OMIM 613038.

Allele frequency attached by ClinVar (database versions not stated): gnomAD exomes below 0.00001; ExAC 0.00001.

Submissions (6):

Fulgent Genetics
Classification: Pathogenic for Pituitary hormone deficiency, combined, 1. Last evaluated: 2024-05-21. Review status: criteria provided, single submitter. Criteria: ACMG Guidelines, 2015. Collection method: clinical testing. Allele origin: germline.

Women's Health and Genetics/Laboratory Corporation of America, LabCorp
Classification: Pathogenic for Combined pituitary hormone deficiencies, genetic form. Last evaluated: 2023-07-26. Review status: criteria provided, single submitter. Criteria: LabCorp Variant Classification Summary - May 2015. Collection method: clinical testing. Allele origin: germline.
Comment: Variant summary: POU1F1 c.515G>A (p.Arg172Gln) results in a conservative amino acid change located in the POU-specific domain (IPR000327) of the encoded protein sequence. Four of five in-silico tools predict a damaging effect of the variant on protein function. The variant allele was found at a frequency of 4e-06 in 251290 control chromosomes (gnomAD). c.515G>A has been reported in the literature in two compound heterozygous siblings and in three homozygous siblings affected with Combined Pituitary Hormone Deficiency from two different families (Turton_2005, Shamseldin_2016). These data indicate that the variant is very likely to be associated with disease. At least one publication reports experimental evidence evaluating an impact on protein function and found that the variant results in impaired transactivaton (exhibiting 50% to <10% transactivation activity compared to the WT) at POU-binding sites in the GH-1, PRL, and POU1F1 promoters (Turton_2005). The following publications have been ascertained in the context of this evaluation (PMID: 27541381, 15928241). Two submitters have cited clinical-significance assessments for this variant to ClinVar after 2014 and both classified the variant as likely pathogenic. Based on the evidence outlined above, the variant was classified as pathogenic.

3billion
Classification: Likely pathogenic for Pituitary hormone deficiency, combined, 1. Last evaluated: 2022-05-22. Review status: criteria provided, single submitter. Criteria: ACMG Guidelines, 2015. Collection method: clinical testing. Allele origin: germline. Affected: yes. Observed: 1 homozygote.
Comment: The variant is observed at an extremely low frequency in the gnomAD v2.1.1 dataset (total allele frequency: <0.001%). Missense changes are a common disease-causing mechanism. In silico tool predictions suggest damaging effect of the variant on gene or gene product (REVEL: 0.84; 3Cnet: 0.80). Same nucleotide change resulting in same amino acid change has been previously reported to be associated with POU1F1 related disorder (ClinVar ID: VCV000013614 / PMID: 15928241). The variant has been reported to be in trans with a pathogenic variant as either compound heterozygous or homozygous in at least one similarly affected unrelated individual (PMID: 15928241). The variant has been reported to co-segregate with the disease in at least 3 similarly affected relatives/individuals in the same family or similarly affected unrelated family (PMID:15928241, 27541381). Therefore, this variant is classified as likely pathogenic according to the recommendation of ACMG/AMP guideline.

GeneDx
Classification: Likely pathogenic. Last evaluated: 2017-09-28. Review status: criteria provided, single submitter. Criteria: GeneDx Variant Classification (06012015). Collection method: clinical testing. Allele origin: germline. Affected: yes.
Comment: The R172Q variant in the POU1F1 gene has been reported previously in the compound heterozygous and homozygous states in association with combined pituitary hormone deficiency (Turton et al., 2005; Shamseldin et al., 2016). The R172Q variant is observed in 1/66724 (0.002%) alleles from individuals of non-Finnish European background in the ExAC dataset (Lek et al., 2016). The R172Q variant is a semi-conservative amino acid substitution, which may impact secondary protein structure as these residues differ in some properties. This substitution occurs at a position that is conserved across species. In silico analysis predicts this variant is probably damaging to the protein structure/function. We interpret R172Q as a likely pathogenic variant.

PreventionGenetics, part of Exact Sciences
Classification: Likely pathogenic for POU1F1-related condition. Last evaluated: 2024-08-05. Review status: no assertion criteria provided. Collection method: clinical testing. Allele origin: germline. Not counted in ClinVar's aggregate classification.
Comment: The POU1F1 c.515G>A variant is predicted to result in the amino acid substitution p.Arg172Gln. This variant has been reported in the compound heterozygous state with a second pathogenic POU1F1 variant in two siblings with pituitary hormone deficiency (Turton et al. 2005. PubMed ID: 15928241). It has also been reported in the homozygous state in three siblings with combined pituitary hormone deficiency (Shamseldin et al. 2016. PubMed ID: 27541381). Experimental studies suggest that the Arg172Gln substitution leads to a reduction in transactivation by POU1F1 (Turton et al. 2005. PubMed ID: 15928241). This variant is reported in 0.00088% of alleles in individuals of European (Non-Finnish) descent in gnomAD. This variant is interpreted as likely pathogenic.

OMIM
Classification: Pathogenic for PITUITARY HORMONE DEFICIENCY, COMBINED, 1. Last evaluated: 2005-08-01. Review status: no assertion criteria provided. Collection method: literature only. Allele origin: germline. Not counted in ClinVar's aggregate classification.

Literature cited by the submitters: PubMed 15928241 (cited by 3 submitters); PubMed 27541381 (cited by Women's Health and Genetics/Laboratory Corporation of America, LabCorp and 3billion).

NM_000306.4(POU1F1):c.515G>A (p.Arg172Gln)

Gene: POU1F1 (POU class 1 homeobox 1; minus strand). Cytogenetic location: 3p11.2.
Variant type: single nucleotide variant.
Coding change: c.515G>A on transcript NM_000306.4 (MANE Select); coding-DNA position 515, G replaced by A.
Protein change: p.Arg172Gln; replaces arginine 172 with glutamine.
Molecular consequence: missense variant.
Genome position (GRCh38, 1-based): chr3:87,262,160, C>T on the plus strand (G>A on the coding strand, the complement: POU1F1 is on the minus strand). VCF-style: chr3-87262160-C-T. GRCh37 (hg19) VCF-style: chr3-87311310-C-T.
Other names: c.593G>A, p.Arg198Gln (NM_001122757.3); c.515G>A (NM_000306.3); short protein forms R172Q, R198Q.
Identifiers: ClinVar variation 13614 (VCV000013614.6), dbSNP rs104893765, ClinGen allele CA250626.
Genomic context (GRCh38, chr3:87,262,160, plus strand): 5'-TTGGATAATATTGCTTTCAGTTTGCATGCATTTTTAAAGCTGAGCTGCAGATTTTCAAAT[C>T]GGCAGATTGTTGTTTGACTGAATTCAGAGCCATGCACAGCTGCCAGGGCCTCCCCAACAT-3'
Protein context (NP_000297.1, residues 162-182): GSEFSQTTIC[Arg172Gln]FENLQLSFKN